The following is an entry in ClinVar:

ClinVar aggregate classification (germline): Uncertain significance (1 of 4 stars; one submission).

gnomAD v4.1: 11 of 1,613,998 alleles (0.00068%); highest among the groups gnomAD compares: African/African-American, 0.008%; no homozygotes.

Submission:

Labcorp Genetics (formerly Invitae), Labcorp
Classification: Uncertain significance. Last evaluated: 2025-06-20. Review status: criteria provided, single submitter. Criteria: Invitae Variant Classification Sherloc (09022015). Collection method: clinical testing. Allele origin: germline.
Comment: This sequence change replaces arginine, which is basic and polar, with leucine, which is neutral and non-polar, at codon 1255 of the MYO6 protein (p.Arg1255Leu). The frequency data for this variant in the population databases is considered unreliable, as metrics indicate poor data quality at this position in the gnomAD database. This variant has not been reported in the literature in individuals affected with MYO6-related conditions. Invitae Evidence Modeling of protein sequence and biophysical properties (such as structural, functional, and spatial information, amino acid conservation, physicochemical variation, residue mobility, and thermodynamic stability) indicates that this missense variant is not expected to disrupt MYO6 protein function with a negative predictive value of 80%. In summary, the available evidence is currently insufficient to determine the role of this variant in disease. Therefore, it has been classified as a Variant of Uncertain Significance.

NM_004999.4(MYO6):c.3764G>T (p.Arg1255Leu)

Gene: MYO6 (myosin VI; plus strand). Cytogenetic location: 6q14.1.
Variant type: single nucleotide variant.
Coding change: c.3764G>T on transcript NM_004999.4 (MANE Select); coding-DNA position 3764, G replaced by T.
Protein change: p.Arg1255Leu; replaces arginine 1255 with leucine.
Molecular consequence: missense variant. On other transcripts: non-coding transcript variant (1).
Genome position (GRCh38, 1-based): chr6:75,914,918, G>T. VCF-style: chr6-75914918-G-T. GRCh37 (hg19) VCF-style: chr6-76624635-G-T.
Other names: c.3695G>T, p.Arg1232Leu (NM_001300899.2); c.3668G>T, p.Arg1223Leu (NM_001368136.1); c.3725G>T, p.Arg1242Leu (NM_001368137.1); c.3680G>T, p.Arg1227Leu (NM_001368138.1); c.3791G>T, p.Arg1264Leu (NM_001368865.1); c.3764G>T, p.Arg1255Leu (NM_001368866.1); short protein forms R1227L, R1242L, R1223L, R1232L, R1255L, R1264L.
Identifiers: ClinVar variation 4782216 (VCV004782216.1).